The following is an entry in ClinVar:

NM_000255.4(MMUT):c.386-12_387del

Gene: MMUT (methylmalonyl-CoA mutase; minus strand). Cytogenetic location: 6p12.3.
Variant type: Deletion.
Coding change: c.386-12_387del on transcript NM_000255.4 (MANE Select); 12 bases into the intron before coding-DNA position 386 through coding-DNA position 387, 14 bases deleted (TTATATATTTAGCT).
Molecular consequence: splice acceptor variant.
Genome position (GRCh38, 1-based): chr6:49,458,057-49,458,070, AGCTAAATATATAA deleted on the plus strand (TTATATATTTAGCT on the coding strand, the reverse complement: MMUT is on the minus strand); deleting any 14 consecutive bases within chr6:49,458,057-49,458,072 gives the same sequence; the c. name uses the placement nearest the transcript's 3' end. VCF-style (leftmost placement, unchanged base first): chr6-49458056-CAGCTAAATATATAA-C. GRCh37 (hg19) VCF-style: chr6-49425769-CAGCTAAATATATAA-C.
Identifiers: ClinVar variation 4081741 (VCV004081741.1).
Genomic context (GRCh38, chr6:49,458,056, plus strand): 5'-TGTCTGAATCATAGCCACGATGTGTCGCCAGATCAAAGGCAACTGATAATCCCTGCTGAC[CAGCTAAATATATAA>C]AGAAAAATAATGTAAGATTCAAGAGTCTGGAATCAAGGTAAAATGATTTACTTTTAACAC-3'

ClinVar aggregate classification (germline): Likely pathogenic (1 of 4 stars; one submission).

Conditions:
Methylmalonic aciduria due to methylmalonyl-CoA mutase deficiency (MAMM). Also called: Methylmalonic aciduria, mut type. Identifiers: Orphanet 27, MedGen C1855114, MONDO:0009612, OMIM 251000.

Submission:

Myriad Genetics, Inc.
Classification: Likely pathogenic for Methylmalonic aciduria due to methylmalonyl-CoA mutase deficiency. Last evaluated: 2025-04-04. Review status: criteria provided, single submitter. Criteria: Myriad Autosomal Dominant, Autosomal Recessive and X-Linked Classification Criteria (2023). Collection method: clinical testing. Allele origin: unknown.
Comment: NM_000255.3(MMUT):c.386-12_387del14 is a variant in a canonical splice site classified as likely pathogenic in the context of methylmalonic acidemia, MMUT-related. c.386-12_387del14 has not been observed in cases with relevant disease. Relevant functional assessments of this variant are not available in the literature. c.386-12_387del14 has not been observed in referenced population frequency databases. In summary, NM_000255.3(MMUT):c.386-12_387del14 is a variant in a canonical splice site in a gene where loss of function is a known mechanism of disease and is predicted to disrupt protein function. Please note: this variant was assessed in the context of healthy population screening.